The following is an entry in ClinVar:

NM_001042492.3(NF1):c.1548C>T (p.Pro516=)

Gene: NF1 (neurofibromin 1; plus strand). Cytogenetic location: 17q11.2.
Variant type: single nucleotide variant.
Coding change: c.1548C>T on transcript NM_001042492.3 (MANE Select); coding-DNA position 1548, C replaced by T.
Protein change: p.Pro516=; no amino-acid change (proline 516 retained).
Molecular consequence: synonymous variant.
Genome position (GRCh38, 1-based): chr17:31,219,025, C>T. VCF-style: chr17-31219025-C-T. GRCh37 (hg19) VCF-style: chr17-29546043-C-T.
Other names: c.1548C>T, p.Pro516= (NM_001128147.3, NM_000267.4).
Identifiers: ClinVar variation 185734 (VCV000185734.14), dbSNP rs768883989, ClinGen allele CA192784.
Genomic context (GRCh38, chr17:31,219,025, plus strand): 5'-ATTTATTTTTTTAATTGAAGTTTCCTTTTTTTCCTTGCAGAATCCAAGAAAACAGGGGCC[C>T]GAAACCCAAGGCAGTACAGCAGAATTAATTACAGGGCTCGTCCAACTGGTCCCTCAGTCA-3'
Protein context (NP_001035957.1, residues 506-526): LLLCNPRKQG[Pro516=]ETQGSTAELI

ClinVar aggregate classification (germline): Benign/Likely benign. Review status: criteria provided, multiple submitters, no conflicts (2 of 4 stars). 4 submissions from 4 submitters: Benign (1); Likely benign (3). Last evaluated 2026-05-15.

Conditions:
Hereditary cancer-predisposing syndrome. Also called: Tumor predisposition; Hereditary neoplastic syndrome; Neoplastic Syndromes, Hereditary; Hereditary Cancer Syndrome. Identifiers: Orphanet 140162, MedGen C0027672, MeSH D009386, MONDO:0015356.
Neurofibromatosis, type 1 (NF1). Also called: Neurofibromatosis, type I; NEUROFIBROMATOSIS, TYPE I, SOMATIC; VON RECKLINGHAUSEN DISEASE; Peripheral type neurofibromatosis. Identifiers: Orphanet 636, MedGen C0027831, MONDO:0018975, OMIM 162200. Disease mechanism: loss of function.

Allele frequency attached by ClinVar (database versions not stated): ExAC 0.00001; TOPMed 0.00003.
gnomAD v4.1: 25 of 1,613,222 alleles (0.0015%); highest among the groups gnomAD compares: East Asian, 0.0022%; no homozygotes.

Submissions (4):

Myriad Genetics, Inc.
Classification: Benign for Neurofibromatosis, type 1. Last evaluated: 2026-05-15. Review status: criteria provided, single submitter. Criteria: Myriad Autosomal Dominant, Autosomal Recessive and X-Linked Classification Criteria (2023). Collection method: clinical testing. Allele origin: unknown.
Comment: This variant is considered benign. This variant is a silent/synonymous amino acid change and it is not expected to impact splicing.

Labcorp Genetics (formerly Invitae), Labcorp
Classification: Likely benign for Neurofibromatosis, type 1. Last evaluated: 2026-01-13. Review status: criteria provided, single submitter. Criteria: Invitae Variant Classification Sherloc (09022015). Collection method: clinical testing. Allele origin: germline.

Genome-Nilou Lab
Classification: Likely benign for Neurofibromatosis, type 1. Last evaluated: 2022-03-15. Review status: criteria provided, single submitter. Criteria: ACMG Guidelines, 2015. Collection method: clinical testing. Allele origin: germline. Affected: no.

Ambry Genetics
Classification: Likely benign for Hereditary cancer-predisposing syndrome. Last evaluated: 2014-08-08. Review status: criteria provided, single submitter. Criteria: Ambry Autosomal Dominant and X-Linked criteria (10/2015). Collection method: clinical testing. Allele origin: germline. Observed: 1 variant allele.